The following is an entry in ClinVar:

NM_000093.5(COL5A1):c.2013C>T (p.Pro671=)

Gene: COL5A1 (collagen type V alpha 1 chain; plus strand). Cytogenetic location: 9q34.3.
Variant type: single nucleotide variant.
Coding change: c.2013C>T on transcript NM_000093.5 (MANE Select); coding-DNA position 2013, C replaced by T.
Protein change: p.Pro671=; no amino-acid change (proline 671 retained).
Molecular consequence: synonymous variant.
Genome position (GRCh38, 1-based): chr9:134,763,716, C>T. VCF-style: chr9-134763716-C-T. GRCh37 (hg19) VCF-style: chr9-137655562-C-T.
Other names: c.2013C>T, p.Pro671= (NM_001278074.1).
Identifiers: ClinVar variation 697348 (VCV000697348.24), dbSNP rs372082908, ClinGen allele CA5319107.
Genomic context (GRCh38, chr9:134,763,716, plus strand): 5'-CTCATTTCTCTAACCTTGCCTTTTTTCTCCTCTGCAGGGTGACGACGGAGAAGTTGGGCC[C>T]AGGGGGCTGCCTGGGGAGCCCGTAAGTCTGTGAGCTGAGTGGGACGGTGGGGGCTCAGTG-3'
Protein context (NP_000084.3, residues 661-681): GERGDDGEVG[Pro671=]RGLPGEPGPR

ClinVar aggregate classification (germline): Likely benign. Review status: criteria provided, multiple submitters, no conflicts (2 of 4 stars). 6 submissions from 6 submitters: Likely benign (5). 1 of the submissions does not count toward it. Last evaluated 2025-12-22.

Conditions:
Familial thoracic aortic aneurysm and aortic dissection (TAAD). Also called: Thoracic aortic aneurysms and dissections. Identifiers: Orphanet 91387, MedGen C4707243, MONDO:0019625.
COL5A1-related disorder. Also called: COL5A1-related condition.
Ehlers-Danlos syndrome, classic type, 1 (EDSCL1). Also called: EDS I; EHLERS-DANLOS SYNDROME, GRAVIS TYPE; EHLERS-DANLOS SYNDROME, SEVERE CLASSIC TYPE; Ehlers-Danlos Syndrome, Classic Type, COL5A1-Related; Ehlers-Danlos syndrome, type 1. Identifiers: MedGen C0268335, MONDO:0019567, OMIM 130000.

Allele frequency attached by ClinVar (database versions not stated): ExAC 0.00003; gnomAD exomes 0.00004; TOPMed 0.00007; gnomAD 0.00005; ESP Exome Variant Server 0.00008.
gnomAD v4.1: 125 of 1,613,586 alleles (0.0077%); highest among the groups gnomAD compares: Non-Finnish European, 0.01%; no homozygotes.

Submissions (6):

Labcorp Genetics (formerly Invitae), Labcorp
Classification: Likely benign for Ehlers-Danlos syndrome, classic type, 1. Last evaluated: 2025-12-22. Review status: criteria provided, single submitter. Criteria: Invitae Variant Classification Sherloc (09022015). Collection method: clinical testing. Allele origin: germline.

Women's Health and Genetics/Laboratory Corporation of America, LabCorp
Classification: Likely benign. Last evaluated: 2025-11-24. Review status: criteria provided, single submitter. Criteria: LabCorp Variant Classification Summary - May 2015. Collection method: clinical testing. Allele origin: germline.

ARUP Laboratories, Molecular Genetics and Genomics, ARUP Laboratories
Classification: Likely benign. Last evaluated: 2022-01-11. Review status: criteria provided, single submitter. Criteria: ARUP Molecular Germline Variant Investigation Process 2021. Collection method: clinical testing. Allele origin: germline.

GeneDx
Classification: Likely benign. Last evaluated: 2019-12-09. Review status: criteria provided, single submitter. Criteria: GeneDx Variant Classification Process June 2021. Collection method: clinical testing. Allele origin: germline. Affected: yes.
Comment: Not observed at a significant frequency in large population cohorts (Lek et al., 2016); Has not been previously published as pathogenic or benign to our knowledge

Ambry Genetics
Classification: Likely benign for Familial thoracic aortic aneurysm and aortic dissection. Last evaluated: 2019-09-17. Review status: criteria provided, single submitter. Criteria: Ambry Variant Classification Scheme 2023. Collection method: clinical testing. Allele origin: germline.

PreventionGenetics, part of Exact Sciences
Classification: Likely benign for COL5A1-related condition. Last evaluated: 2021-08-04. Review status: no assertion criteria provided. Collection method: clinical testing. Allele origin: germline. Not counted in ClinVar's aggregate classification.
Comment: This variant is classified as likely benign based on ACMG/AMP sequence variant interpretation guidelines (Richards et al. 2015 PMID: 25741868, with internal and published modifications).